The following is an entry in ClinVar:

ClinVar aggregate classification (germline): Conflicting classifications of pathogenicity. Review status: criteria provided, conflicting classifications (1 of 4 stars). 3 submissions from 3 submitters: Uncertain significance (1); Likely benign (2). Last evaluated 2026-09-21.

Conditions:
LRP5-related disorder. Also called: LRP5-related condition.

Allele frequency attached by ClinVar (database versions not stated): gnomAD 0.00001 and 0.00003; gnomAD exomes 0.00001; TOPMed 0.00002.
gnomAD v4.1: 22 of 1,488,600 alleles (0.0015%); highest among the groups gnomAD compares: Middle Eastern, 0.096%; no homozygotes.

Submissions (3):

PreventionGenetics, part of Exact Sciences
Classification: Likely benign for LRP5-related condition. Last evaluated: 2026-09-21. Review status: criteria provided, single submitter. Criteria: ACMG Guidelines, 2015. Collection method: clinical testing. Allele origin: germline.
Comment: This variant is classified as likely benign based on ACMG/AMP sequence variant interpretation guidelines (Richards et al. 2015 PMID: 25741868, with internal and published modifications).

Labcorp Genetics (formerly Invitae), Labcorp
Classification: Likely benign. Last evaluated: 2025-07-03. Review status: criteria provided, single submitter. Criteria: Invitae Variant Classification Sherloc (09022015). Collection method: clinical testing. Allele origin: germline.

Eurofins Ntd Llc (ga)
Classification: Uncertain significance. Last evaluated: 2018-07-03. Review status: criteria provided, single submitter. Criteria: EGL ClinVar v180209 classification definitions. Collection method: clinical testing. Allele origin: germline. Observed: 1 variant allele, 1 heterozygote.

NM_002335.4(LRP5):c.1002G>A (p.Arg334=)

Gene: LRP5 (LDL receptor related protein 5; plus strand). Cytogenetic location: 11q13.2.
Variant type: single nucleotide variant.
Coding change: c.1002G>A on transcript NM_002335.4 (MANE Select); coding-DNA position 1002, G replaced by A.
Protein change: p.Arg334=; no amino-acid change (arginine 334 retained).
Molecular consequence: synonymous variant. On other transcripts: 5 prime UTR variant (1).
Genome position (GRCh38, 1-based): chr11:68,365,689, G>A. VCF-style: chr11-68365689-G-A. GRCh37 (hg19) VCF-style: chr11-68133157-G-A.
Other names: c.-764G>A (NM_001291902.2); c.1002G>A (NM_002335.3).
Identifiers: ClinVar variation 597734 (VCV000597734.15), dbSNP rs868085658, ClinGen allele CA224240683.